The following is an entry in ClinVar:

ClinVar aggregate classification (germline): Uncertain significance. Review status: criteria provided, multiple submitters, no conflicts (2 of 4 stars). 2 submissions from 2 submitters: Uncertain significance (2). Last evaluated 2025-01-20.

Conditions:
Inborn genetic diseases. Identifiers: MedGen C0950123, MeSH D030342.

Allele frequency attached by ClinVar (database versions not stated): ExAC 0.00001; gnomAD exomes 0.00001; gnomAD 0.00003; TOPMed 0.00003.
gnomAD v4.1: 13 of 1,612,014 alleles (0.00081%); highest among the groups gnomAD compares: Admixed American, 0.0083%; no homozygotes.

Submissions (2):

Ambry Genetics
Classification: Uncertain significance for Inborn genetic diseases. Last evaluated: 2025-01-20. Review status: criteria provided, single submitter. Criteria: Ambry Variant Classification Scheme 2023. Collection method: clinical testing. Allele origin: germline.

Labcorp Genetics (formerly Invitae), Labcorp
Classification: Uncertain significance. Last evaluated: 2022-03-24. Review status: criteria provided, single submitter. Criteria: Invitae Variant Classification Sherloc (09022015). Collection method: clinical testing. Allele origin: germline.
Comment: In summary, the available evidence is currently insufficient to determine the role of this variant in disease. Therefore, it has been classified as a Variant of Uncertain Significance. This sequence change replaces tryptophan, which is neutral and slightly polar, with leucine, which is neutral and non-polar, at codon 679 of the C7 protein (p.Trp679Leu). Algorithms developed to predict the effect of missense changes on protein structure and function are either unavailable or do not agree on the potential impact of this missense change (SIFT: "Deleterious"; PolyPhen-2: "Probably Damaging"; Align-GVGD: "Class C0"). This variant has not been reported in the literature in individuals affected with C7-related conditions. This variant is present in population databases (rs748875172, gnomAD 0.003%).

NM_000587.4(C7):c.2036G>T (p.Trp679Leu)

Gene: C7 (complement C7; plus strand). Cytogenetic location: 5p13.1.
Variant type: single nucleotide variant.
Coding change: c.2036G>T on transcript NM_000587.4 (MANE Select); coding-DNA position 2036, G replaced by T.
Protein change: p.Trp679Leu; replaces tryptophan 679 with leucine.
Molecular consequence: missense variant.
Genome position (GRCh38, 1-based): chr5:40,972,556, G>T. VCF-style: chr5-40972556-G-T. GRCh37 (hg19) VCF-style: chr5-40972658-G-T.
Other names: short protein forms W679L.
Identifiers: ClinVar variation 1913183 (VCV001913183.6), dbSNP rs748875172, ClinGen allele CA3250171.